The following is an entry in ClinVar:

NM_004656.4(BAP1):c.1251-10G>A

Gene: BAP1 (BRCA1 associated deubiquitinase 1; minus strand). Cytogenetic location: 3p21.1.
Variant type: single nucleotide variant.
Coding change: c.1251-10G>A on transcript NM_004656.4 (MANE Select); 10 bases into the intron before coding-DNA position 1251, G replaced by A.
Molecular consequence: intron variant.
Genome position (GRCh38, 1-based): chr3:52,403,904, C>T on the plus strand (G>A on the coding strand, the complement: BAP1 is on the minus strand). VCF-style: chr3-52403904-C-T. GRCh37 (hg19) VCF-style: chr3-52437920-C-T.
Other names: c.1197-10G>A (NM_001410772.1); c.1251-10G>A (NM_004656.3).
Identifiers: ClinVar variation 2968788 (VCV002968788.4), dbSNP rs1559587240, ClinGen allele CA2666001992.

ClinVar aggregate classification (germline): Conflicting classifications of pathogenicity. Review status: criteria provided, conflicting classifications (1 of 4 stars). 2 submissions from 2 submitters: Uncertain significance (1); Likely benign (1). Last evaluated 2026-09-03.

Conditions:
BAP1-related disorder. Also called: BAP1-related condition.
BAP1-related tumor predisposition syndrome (TPDS1). Also called: Tumor susceptibility linked to germline BAP1 mutations; COMMON Syndrome; BAP1 tumor predisposition syndrome; TUMOR PREDISPOSITION SYNDROME 1. Identifiers: Orphanet 289539, MedGen C3280492, MONDO:0013692, OMIM 614327.

Allele frequency attached by ClinVar (database versions not stated): gnomAD exomes below 0.00001.
gnomAD v4.1: 1 of 1,613,256 alleles (0.000062%); highest among the groups gnomAD compares: South Asian, 0.0011%; no homozygotes.

Submissions (2):

PreventionGenetics, part of Exact Sciences
Classification: Uncertain significance for BAP1-related condition. Last evaluated: 2026-09-03. Review status: criteria provided, single submitter. Criteria: ACMG Guidelines, 2015. Collection method: clinical testing. Allele origin: germline.
Comment: The BAP1 c.1251-10G>A variant is predicted to interfere with splicing. This variant is predicted to alter splicing based on available splicing prediction programs (SpliceAI, Jaganathan et al. 2019. PubMed ID: 30661751). However, the use of computer prediction programs is not equivalent to functional evidence. To our knowledge, this variant has not been reported in the literature or in a large population database (gnomAD), indicating this variant is rare. However, the use of computer prediction programs is not equivalent to functional evidence, and therefore the clinical significance of this variant is uncertain.

Labcorp Genetics (formerly Invitae), Labcorp
Classification: Likely benign for BAP1-related tumor predisposition syndrome. Last evaluated: 2022-11-09. Review status: criteria provided, single submitter. Criteria: Invitae Variant Classification Sherloc (09022015). Collection method: clinical testing. Allele origin: germline.